The following is an entry in ClinVar:

NM_130384.3(ATRIP):c.704C>T (p.Pro235Leu)

Genes: ATRIP (ATR interacting protein; plus strand), ATRIP-TREX1 (ATRIP-TREX1 readthrough; plus strand). Cytogenetic location: 3p21.31.
Variant type: single nucleotide variant.
Coding change: c.704C>T on transcript NM_130384.3 (MANE Select); coding-DNA position 704, C replaced by T.
Protein change: p.Pro235Leu; replaces proline 235 with leucine.
Molecular consequence: missense variant. On other transcripts: non-coding transcript variant (1).
Genome position (GRCh38, 1-based): chr3:48,457,291, C>T. VCF-style: chr3-48457291-C-T. GRCh37 (hg19) VCF-style: chr3-48498691-C-T.
Other names: c.323C>T, p.Pro108Leu (NM_001271022.2); c.425C>T, p.Pro142Leu (NM_001271023.2); c.704C>T, p.Pro235Leu (NM_032166.4); c.704C>T (NM_130384.1); short protein forms P108L, P235L, P142L.
Identifiers: ClinVar variation 2900093 (VCV002900093.5), dbSNP rs768603105, ClinGen allele CA2376037.

ClinVar aggregate classification (germline): Uncertain significance. Review status: criteria provided, multiple submitters, no conflicts (2 of 4 stars). 2 submissions from 2 submitters: Uncertain significance (2). Last evaluated 2024-10-04.

Allele frequency attached by ClinVar (database versions not stated): gnomAD 0.00001; TOPMed 0.00003; ExAC 0.00004; gnomAD exomes 0.00004.
gnomAD v4.1: 62 of 1,598,092 alleles (0.0039%); highest among the groups gnomAD compares: South Asian, 0.0046%; no homozygotes.

Submissions (2):

Ambry Genetics
Classification: Uncertain significance. Last evaluated: 2024-10-04. Review status: criteria provided, single submitter. Criteria: Ambry Variant Classification Scheme 2023. Collection method: clinical testing. Allele origin: germline.
Comment: The p.P235L variant (also known as c.704C>T), located in coding exon 5 of the ATRIP gene, results from a C to T substitution at nucleotide position 704. The proline at codon 235 is replaced by leucine, an amino acid with similar properties. This amino acid position is conserved. In addition, this alteration is predicted to be tolerated by in silico analysis. Based on the available evidence, the clinical significance of this variant remains unclear.

Labcorp Genetics (formerly Invitae), Labcorp
Classification: Uncertain significance. Last evaluated: 2024-04-11. Review status: criteria provided, single submitter. Criteria: Invitae Variant Classification Sherloc (09022015). Collection method: clinical testing. Allele origin: germline.
Comment: This sequence change replaces proline, which is neutral and non-polar, with leucine, which is neutral and non-polar, at codon 235 of the ATRIP protein (p.Pro235Leu). This variant is present in population databases (rs768603105, gnomAD 0.009%). This variant has not been reported in the literature in individuals affected with ATRIP-related conditions. An algorithm developed to predict the effect of missense changes on protein structure and function (PolyPhen-2) suggests that this variant is likely to be tolerated. In summary, the available evidence is currently insufficient to determine the role of this variant in disease. Therefore, it has been classified as a Variant of Uncertain Significance.